The following is an entry in ClinVar:

NM_005245.4(FAT1):c.4603C>T (p.Arg1535Ter)

Gene: FAT1 (FAT atypical cadherin 1; minus strand). Cytogenetic location: 4q35.2.
Variant type: single nucleotide variant.
Coding change: c.4603C>T on transcript NM_005245.4 (MANE Select); coding-DNA position 4603, C replaced by T.
Protein change: p.Arg1535Ter; replaces arginine 1535 with a stop codon.
Molecular consequence: nonsense.
Genome position (GRCh38, 1-based): chr4:186,628,361, G>A on the plus strand (C>T on the coding strand, the complement: FAT1 is on the minus strand). VCF-style: chr4-186628361-G-A. GRCh37 (hg19) VCF-style: chr4-187549515-G-A.
Other names: short protein forms R1535*.
Identifiers: ClinVar variation 2810148 (VCV002810148.3), dbSNP rs577375480, ClinGen allele CA3166656.
Genomic context (GRCh38, chr4:186,628,361, plus strand): 5'-TGTCGCTGACATTGACCACAATCCTTGCAAAGTTGCGTTTTACAGGCACATCTTGATCTC[G>A]TACCTAAAAAGAATTGACACATTATCAATCCCATTGGTGCTTTCCTTATAACTAATTAAA-3'

ClinVar aggregate classification (germline): Pathogenic (1 of 4 stars; one submission).

Allele frequency attached by ClinVar (database versions not stated): ExAC 0.00001; gnomAD 0.00001; 1000 Genomes Project 30x 0.00016; 1000 Genomes Project 0.00020.
gnomAD v4.1: 3 of 1,611,974 alleles (0.00019%); highest among the groups gnomAD compares: East Asian, 0.0022%; no homozygotes.

Submission:

Labcorp Genetics (formerly Invitae), Labcorp
Classification: Pathogenic. Last evaluated: 2022-12-18. Review status: criteria provided, single submitter. Criteria: Invitae Variant Classification Sherloc (09022015). Collection method: clinical testing. Allele origin: germline.
Comment: For these reasons, this variant has been classified as Pathogenic. This variant has not been reported in the literature in individuals affected with FAT1-related conditions. The frequency data for this variant in the population databases is considered unreliable, as metrics indicate poor data quality at this position in the gnomAD database. This sequence change creates a premature translational stop signal (p.Arg1535*) in the FAT1 gene. It is expected to result in an absent or disrupted protein product. Loss-of-function variants in FAT1 are known to be pathogenic (PMID: 30862798).

Literature cited by the submitters: PubMed 30862798.